The following is an entry in ClinVar:

NM_000297.4(PKD2):c.1572T>G (p.Ile524Met)

Gene: PKD2 (polycystin 2, transient receptor potential cation channel; plus strand). Cytogenetic location: 4q22.1.
Variant type: single nucleotide variant.
Coding change: c.1572T>G on transcript NM_000297.4 (MANE Select); coding-DNA position 1572, T replaced by G.
Protein change: p.Ile524Met; replaces isoleucine 524 with methionine.
Molecular consequence: missense variant. On other transcripts: non-coding transcript variant (1).
Genome position (GRCh38, 1-based): chr4:88,052,014, T>G. VCF-style: chr4-88052014-T-G. GRCh37 (hg19) VCF-style: chr4-88973166-T-G.
Other names: short protein forms I524M.
Identifiers: ClinVar variation 3364610 (VCV003364610.1).

ClinVar aggregate classification (germline): Uncertain significance (1 of 4 stars; one submission).

gnomAD v4.1: 3 of 1,593,420 alleles (0.00019%); highest among the groups gnomAD compares: Middle Eastern, 0.017%; no homozygotes.

Submission:

GeneDx
Classification: Uncertain significance. Last evaluated: 2023-11-27. Review status: criteria provided, single submitter. Criteria: GeneDx Variant Classification Process June 2021. Collection method: clinical testing. Allele origin: germline. Affected: yes.
Comment: Not observed at significant frequency in large population cohorts (gnomAD); In silico analysis supports that this missense variant does not alter protein structure/function; Has not been previously published as pathogenic or benign to our knowledge